The following is an entry in ClinVar:

ClinVar aggregate classification (germline): Uncertain significance (1 of 4 stars; one submission).

Allele frequency attached by ClinVar (database versions not stated): gnomAD exomes below 0.00001.
gnomAD v4.1: 4 of 1,614,172 alleles (0.00025%); highest among the groups gnomAD compares: South Asian, 0.0022%; no homozygotes.

Submission:

GeneDx
Classification: Uncertain significance. Last evaluated: 2021-12-27. Review status: criteria provided, single submitter. Criteria: GeneDx Variant Classification Process June 2021. Collection method: clinical testing. Allele origin: germline. Affected: yes.
Comment: Not observed at significant frequency in large population cohorts (gnomAD); In silico analysis supports that this missense variant has a deleterious effect on protein structure/function; Has not been previously published as pathogenic or benign to our knowledge

NM_001793.6(CDH3):c.2236C>T (p.Pro746Ser)

Gene: CDH3 (cadherin 3; plus strand). Cytogenetic location: 16q22.1.
Variant type: single nucleotide variant.
Coding change: c.2236C>T on transcript NM_001793.6 (MANE Select); coding-DNA position 2236, C replaced by T.
Protein change: p.Pro746Ser; replaces proline 746 with serine.
Molecular consequence: missense variant.
Genome position (GRCh38, 1-based): chr16:68,695,879, C>T. VCF-style: chr16-68695879-C-T. GRCh37 (hg19) VCF-style: chr16-68729782-C-T.
Other names: c.2236C>T, p.Pro746Ser (NM_001317195.3); c.2071C>T, p.Pro691Ser (NM_001317196.2); short protein forms P691S, P746S.
Identifiers: ClinVar variation 1693330 (VCV001693330.2), dbSNP rs1200333268, ClinGen allele CA396456358.
Genomic context (GRCh38, chr16:68,695,879, plus strand): 5'-CCGGAGGTGGTTCTCCGCAATGACGTGGCACCAACCATCATCCCGACACCCATGTACCGT[C>T]CTCGGCCAGCCAACCCAGATGAAATCGGCAACTTTATAATTGAGGTGAGGCGTGGCAGGC-3'
Protein context (NP_001784.2, residues 736-756): PTIIPTPMYR[Pro746Ser]RPANPDEIGN